The following is an entry in ClinVar:

ClinVar aggregate classification (germline): Likely benign (0 of 4 stars; one submission).

Conditions:
HIVEP2-related disorder. Also called: HIVEP2-related condition.

Allele frequency attached by ClinVar (database versions not stated): gnomAD exomes below 0.00001.
gnomAD v4.1: 2 of 1,614,118 alleles (0.00012%); highest among the groups gnomAD compares: South Asian, 0.0011%; no homozygotes.

Submission:

PreventionGenetics, part of Exact Sciences
Classification: Likely benign for HIVEP2-related condition. Last evaluated: 2019-09-19. Review status: no assertion criteria provided. Collection method: clinical testing. Allele origin: germline.
Comment: This variant is classified as likely benign based on ACMG/AMP sequence variant interpretation guidelines (Richards et al. 2015 PMID: 25741868, with internal and published modifications).

NM_006734.4(HIVEP2):c.6933G>A (p.Ser2311=)

Gene: HIVEP2 (HIVEP zinc finger 2; minus strand). Cytogenetic location: 6q24.2.
Variant type: single nucleotide variant.
Coding change: c.6933G>A on transcript NM_006734.4 (MANE Select); coding-DNA position 6933, G replaced by A.
Protein change: p.Ser2311=; no amino-acid change (serine 2311 retained).
Molecular consequence: synonymous variant.
Genome position (GRCh38, 1-based): chr6:142,753,515, C>T on the plus strand (G>A on the coding strand, the complement: HIVEP2 is on the minus strand). VCF-style: chr6-142753515-C-T. GRCh37 (hg19) VCF-style: chr6-143074652-C-T.
Identifiers: ClinVar variation 3040487 (VCV003040487.2), dbSNP rs1036310772, ClinGen allele CA149672951.